The following is an entry in ClinVar:

NM_015166.4(MLC1):c.206C>T (p.Ser69Leu)

Genes: MLC1 (modulator of VRAC current 1; minus strand), LOC125446261 (Sharpr-MPRA regulatory region 9327; plus strand). Cytogenetic location: 22q13.33.
Variant type: single nucleotide variant.
Coding change: c.206C>T on transcript NM_015166.4 (MANE Select); coding-DNA position 206, C replaced by T.
Protein change: p.Ser69Leu; replaces serine 69 with leucine.
Molecular consequence: missense variant. On other transcripts: 5 prime UTR variant (1), non-coding transcript variant (3), intron variant (1).
Genome position (GRCh38, 1-based): chr22:50,083,145, G>A on the plus strand (C>T on the coding strand, the complement: MLC1 is on the minus strand). VCF-style: chr22-50083145-G-A. GRCh37 (hg19) VCF-style: chr22-50521574-G-A.
Other names: c.206C>T, p.Ser69Leu (NM_001376472.1, NM_001376473.1, NM_001376474.1 and 9 more transcripts); c.-32C>T (NM_001376484.1); c.177+1581C>T (NM_001376480.1); short protein forms S69L.
Identifiers: ClinVar variation 31622 (VCV000031622.17), dbSNP rs281875309, ClinGen allele CA219962.
Genomic context (GRCh38, chr22:50,083,145, plus strand): 5'-GAGCCTGCAGCACAGCGCAAGTAATCCATCTCAGCCGGGAACACGTTCCCCAGGTACAGC[G>A]AAAACCCCGAGGTCACCAGGAGGCAGCTCTGCAAGACAGCGACAGAATCCCAGGTTACAA-3'
Protein context (NP_055981.1, residues 59-79): GSCLLVTSGF[Ser69Leu]LYLGNVFPAE

ClinVar aggregate classification (germline): Pathogenic/Likely pathogenic. Review status: criteria provided, multiple submitters, no conflicts (2 of 4 stars). 6 submissions from 6 submitters: Pathogenic (3); Likely pathogenic (1). 2 of the submissions do not count toward it. Last evaluated 2026-01-13.

Conditions:
Megalencephalic leukoencephalopathy with subcortical cysts. Also called: VAN DER KNAAP DISEASE. Identifiers: Orphanet 2478, MedGen C1858854, MONDO:0011391.
Megalencephalic leukoencephalopathy with subcortical cysts 1 (MLC1). Also called: LEUKOENCEPHALOPATHY WITH SWELLING AND CYSTS; VACUOLATING MEGALENCEPHALIC LEUKOENCEPHALOPATHY WITH SUBCORTICAL CYSTS. Identifiers: Orphanet 2478, MedGen C5779875, MONDO:0024555, OMIM 604004.

Allele frequency attached by ClinVar (database versions not stated): TOPMed 0.00002; gnomAD exomes 0.00003; gnomAD 0.00001; ExAC 0.00002.
gnomAD v4.1: 46 of 1,613,966 alleles (0.0029%); highest among the groups gnomAD compares: South Asian, 0.0044%; no homozygotes.

Submissions (6):

Labcorp Genetics (formerly Invitae), Labcorp
Classification: Pathogenic. Last evaluated: 2026-01-13. Review status: criteria provided, single submitter. Criteria: Invitae Variant Classification Sherloc (09022015). Collection method: clinical testing. Allele origin: germline.
Comment: This sequence change replaces serine, which is neutral and polar, with leucine, which is neutral and non-polar, at codon 69 of the MLC1 protein (p.Ser69Leu). This variant is present in population databases (rs281875309, gnomAD 0.01%). This missense change has been observed in individuals with megalencephalic leukoencephalopathy with subcortical cysts (PMID: 21145992, 21160490, 21624973). ClinVar contains an entry for this variant (Variation ID: 31622). Invitae Evidence Modeling of protein sequence and biophysical properties (such as structural, functional, and spatial information, amino acid conservation, physicochemical variation, residue mobility, and thermodynamic stability) has been performed for this missense variant. However, the output from this modeling did not meet the statistical confidence thresholds required to predict the impact of this variant on MLC1 protein function. Experimental studies have shown that this missense change affects MLC1 function (PMID: 21624973, 22416245). For these reasons, this variant has been classified as Pathogenic.

Natera, Inc.
Classification: Likely pathogenic for Megalencephalic leukoencephalopathy with subcortical cysts. Last evaluated: 2025-04-14. Review status: criteria provided, single submitter. Criteria: Natera Variant Classification Schema (03/2026). Collection method: clinical testing. Allele origin: germline.
Comment: The c.206C>T variant in MLC1 is a missense variant predicted to cause substitution of serine to leucine at amino acid 69. This variant is rare in the general population with a frequency below the threshold expected for the associated phenotype(s). This variant has been observed in one or more individuals affected with the associated recessive disease, as either homozygous or compound heterozygous with a second variant (PMID: 21145992, 21160490, 21624973). This variant has been identified in one or more affected individuals with a phenotype highly consistent with the associated gene (PMID: 21624973). Computational prediction algorithms indicate this variant is likely to affect gene or protein function. Given the available evidence, this variant is classified as Likely Pathogenic.

Women's Health and Genetics/Laboratory Corporation of America, LabCorp
Classification: Pathogenic for Megalencephalic leukoencephalopathy with subcortical cysts. Last evaluated: 2023-12-01. Review status: criteria provided, single submitter. Criteria: LabCorp Variant Classification Summary - May 2015. Collection method: clinical testing. Allele origin: germline.
Comment: Variant summary: MLC1 c.206C>T (p.Ser69Leu) results in a non-conservative amino acid change in the encoded protein sequence. Five of five in-silico tools predict a damaging effect of the variant on protein function. The variant allele was found at a frequency of 2.8e-05 in 251294 control chromosomes. c.206C>T has been reported in the literature in multiple homozygous and compound heterozygous individuals affected with Megalencephalic Leukoencephalopathy With Subcortical Cysts 1 (e.g. Yuzbasioglu_2011, Lopez-Hernandez_2011, Wang_2011). These data indicate that the variant is very likely to be associated with disease. At least one publication reports experimental evidence showing reduced or negligible MLC1 protein product in vitro and in vivo in post-mortem brain lysates (Lopez-Hernandez_2011). The following publications have been ascertained in the context of this evaluation (PMID: 21624973, 21160490, 21145992). Two submitters have cited clinical-significance assessments for this variant to ClinVar after 2014. All submitters classified the variant as pathogenic. Based on the evidence outlined above, the variant was classified as pathogenic.

Biochemistry Laboratory of CDMU, Chengde Medical University
Classification: Pathogenic for Megalencephalic leukoencephalopathy with subcortical cysts 1. Review status: criteria provided, single submitter. Criteria: ACMG Guidelines, 2015. Collection method: case-control. Allele origin: inherited. Affected: yes.

OMIM
Classification: Pathogenic for MEGALENCEPHALIC LEUKOENCEPHALOPATHY WITH SUBCORTICAL CYSTS 1. Last evaluated: 2011-08-15. Review status: no assertion criteria provided. Collection method: literature only. Allele origin: germline. Not counted in ClinVar's aggregate classification.

UniProtKB/Swiss-Prot
No classification provided. Review status: no classification provided. Collection method: not provided. Allele origin: not provided. Not counted in ClinVar's aggregate classification.

Literature cited by the submitters: PubMed 21145992 (cited by 3 submitters); PubMed 21160490 (cited by 3 submitters); PubMed 21624973 (cited by 4 submitters); PubMed 22416245 (cited by Labcorp Genetics (formerly Invitae), Labcorp).